The following is an entry in ClinVar:

ClinVar aggregate classification (germline): Uncertain significance. Review status: criteria provided, multiple submitters, no conflicts (2 of 4 stars). 2 submissions from 2 submitters: Uncertain significance (2). Last evaluated 2023-12-02.

Allele frequency attached by ClinVar (database versions not stated): gnomAD 0.00001; gnomAD exomes 0.00001; TOPMed 0.00001; ExAC 0.00005.
gnomAD v4.1: 23 of 1,613,860 alleles (0.0014%); highest among the groups gnomAD compares: South Asian, 0.011%; no homozygotes.

Submissions (2):

Labcorp Genetics (formerly Invitae), Labcorp
Classification: Uncertain significance. Last evaluated: 2023-12-02. Review status: criteria provided, single submitter. Criteria: Invitae Variant Classification Sherloc (09022015). Collection method: clinical testing. Allele origin: germline.
Comment: This sequence change replaces aspartic acid, which is acidic and polar, with asparagine, which is neutral and polar, at codon 1883 of the ITPR1 protein (p.Asp1883Asn). This variant is present in population databases (rs752399025, gnomAD 0.01%). This variant has not been reported in the literature in individuals affected with ITPR1-related conditions. Advanced modeling of protein sequence and biophysical properties (such as structural, functional, and spatial information, amino acid conservation, physicochemical variation, residue mobility, and thermodynamic stability) performed at Invitae indicates that this missense variant is not expected to disrupt ITPR1 protein function with a negative predictive value of 95%. In summary, the available evidence is currently insufficient to determine the role of this variant in disease. Therefore, it has been classified as a Variant of Uncertain Significance.

Athena Diagnostics
Classification: Uncertain significance. Last evaluated: 2023-05-26. Review status: criteria provided, single submitter. Criteria: Athena Diagnostics Criteria. Collection method: clinical testing. Allele origin: unknown.
Comment: Available data are insufficient to determine the clinical significance of the variant at this time. The frequency of this variant in the general population is higher than would generally be expected for pathogenic variants in this gene. Computational tools predict that this variant is not damaging.

NM_001378452.1(ITPR1):c.5836G>A (p.Asp1946Asn)

Gene: ITPR1 (inositol 1,4,5-trisphosphate receptor type 1; plus strand). Cytogenetic location: 3p26.1.
Variant type: single nucleotide variant.
Coding change: c.5836G>A on transcript NM_001378452.1 (MANE Select); coding-DNA position 5836, G replaced by A.
Protein change: p.Asp1946Asn; replaces aspartic acid 1946 with asparagine.
Molecular consequence: missense variant.
Genome position (GRCh38, 1-based): chr3:4,768,621, G>A. VCF-style: chr3-4768621-G-A. GRCh37 (hg19) VCF-style: chr3-4810305-G-A.
Other names: c.5692G>A, p.Asp1898Asn (NM_001099952.4); c.5791G>A, p.Asp1931Asn (NM_001168272.2); c.5647G>A, p.Asp1883Asn (NM_002222.7); short protein forms D1883N, D1898N, D1931N, D1946N.
Identifiers: ClinVar variation 2684241 (VCV002684241.4), dbSNP rs752399025, ClinGen allele CA2232441.